The following is an entry in ClinVar:

ClinVar aggregate classification (germline): Benign/Likely benign. Review status: criteria provided, multiple submitters, no conflicts (2 of 4 stars). 7 submissions from 7 submitters: Benign (1); Likely benign (5). 1 of the submissions does not count toward it. Last evaluated 2025-06-08.

Conditions:
PALB2-related disorder. Also called: PALB2-related condition; PALB2-related disorders.
Hereditary cancer-predisposing syndrome. Also called: Neoplastic Syndromes, Hereditary; Hereditary Cancer Syndrome; Tumor predisposition; Hereditary neoplastic syndrome. Identifiers: Orphanet 140162, MedGen C0027672, MeSH D009386, MONDO:0015356.
Familial cancer of breast. Also called: Hereditary breast cancer; hereditary breast carcinoma; BREAST CANCER, FAMILIAL. Identifiers: Orphanet 227535, MedGen C0346153, MONDO:0016419, OMIM 114480. Disease mechanism: loss of function.

Allele frequency attached by ClinVar (database versions not stated): TOPMed below 0.00001; gnomAD exomes 0.00001.
gnomAD v4.1: 3 of 1,614,084 alleles (0.00019%); highest among the groups gnomAD compares: Non-Finnish European, 0.00025%; no homozygotes.

Submissions (7):

Labcorp Genetics (formerly Invitae), Labcorp
Classification: Likely benign for Familial cancer of breast. Last evaluated: 2025-06-08. Review status: criteria provided, single submitter. Criteria: Invitae Variant Classification Sherloc (09022015). Collection method: clinical testing. Allele origin: germline.

Myriad Genetics, Inc.
Classification: Benign for Familial cancer of breast. Last evaluated: 2025-01-15. Review status: criteria provided, single submitter. Criteria: Myriad Autosomal Dominant, Autosomal Recessive and X-Linked Classification Criteria (2023). Collection method: clinical testing. Allele origin: unknown.
Comment: This variant is considered benign. This variant is a silent/synonymous amino acid change and it is not expected to impact splicing.

CeGaT Center for Human Genetics Tuebingen
Classification: Likely benign. Last evaluated: 2021-12-01. Review status: criteria provided, single submitter. Criteria: CeGaT Center For Human Genetics Tuebingen Variant Classification Criteria Version 2. Collection method: clinical testing. Allele origin: germline. Affected: yes. Observed: 1 variant allele.

Color Diagnostics, LLC DBA Color Health
Classification: Likely benign for Hereditary cancer-predisposing syndrome. Last evaluated: 2019-06-24. Review status: criteria provided, single submitter. Criteria: ACMG Guidelines, 2015. Collection method: clinical testing. Allele origin: germline.

GeneDx
Classification: Likely benign. Last evaluated: 2017-05-19. Review status: criteria provided, single submitter. Criteria: GeneDx Variant Classification (06012015). Collection method: clinical testing. Allele origin: germline. Affected: yes.
Comment: This variant is considered likely benign or benign based on one or more of the following criteria: it is a conservative change, it occurs at a poorly conserved position in the protein, it is predicted to be benign by multiple in silico algorithms, and/or has population frequency not consistent with disease.

Ambry Genetics
Classification: Likely benign for Hereditary cancer-predisposing syndrome. Last evaluated: 2016-06-07. Review status: criteria provided, single submitter. Criteria: Ambry Variant Classification Scheme 2023. Collection method: clinical testing. Allele origin: germline.

PreventionGenetics, part of Exact Sciences
Classification: Likely benign for PALB2-related condition. Last evaluated: 2019-07-31. Review status: no assertion criteria provided. Collection method: clinical testing. Allele origin: germline. Not counted in ClinVar's aggregate classification.
Comment: This variant is classified as likely benign based on ACMG/AMP sequence variant interpretation guidelines (Richards et al. 2015 PMID: 25741868, with internal and published modifications).

NM_024675.4(PALB2):c.2031T>C (p.Val677=)

Gene: PALB2 (partner and localizer of BRCA2; minus strand). Cytogenetic location: 16p12.2.
Variant type: single nucleotide variant.
Coding change: c.2031T>C on transcript NM_024675.4 (MANE Select); coding-DNA position 2031, T replaced by C.
Protein change: p.Val677=; no amino-acid change (valine 677 retained).
Molecular consequence: synonymous variant.
Genome position (GRCh38, 1-based): chr16:23,630,123, A>G on the plus strand (T>C on the coding strand, the complement: PALB2 is on the minus strand). VCF-style: chr16-23630123-A-G. GRCh37 (hg19) VCF-style: chr16-23641444-A-G.
Identifiers: ClinVar variation 221122 (VCV000221122.53), dbSNP rs864622756, ClinGen allele CA349002.